The following is an entry in ClinVar:

NM_014639.4(SKIC3):c.3175T>C (p.Leu1059=)

Gene: SKIC3 (SKI3 subunit of superkiller complex; minus strand). Cytogenetic location: 5q15.
Variant type: single nucleotide variant.
Coding change: c.3175T>C on transcript NM_014639.4 (MANE Select); coding-DNA position 3175, T replaced by C.
Protein change: p.Leu1059=; no amino-acid change (leucine 1059 retained).
Molecular consequence: synonymous variant.
Genome position (GRCh38, 1-based): chr5:95,503,856, A>G on the plus strand (T>C on the coding strand, the complement: SKIC3 is on the minus strand). VCF-style: chr5-95503856-A-G. GRCh37 (hg19) VCF-style: chr5-94839560-A-G.
Identifiers: ClinVar variation 1964225 (VCV001964225.30), dbSNP rs192566824, ClinGen allele CA3346827.
Genomic context (GRCh38, chr5:95,503,856, plus strand): 5'-TCAGAGCAATATACTTACCTTTGCTGCTCTCTTTATAAAGCCCCTTCATGAATAAAGCCA[A>G]TGCAAAACCTATGATGTCTTCTAACACTTCAAGGGGTGTTGACTTAAAAGCCTGGATAGC-3'
Protein context (NP_055454.1, residues 1049-1069): EVLEDIIGFA[Leu1059=]ALFMKGLYKE

ClinVar aggregate classification (germline): Likely benign. Review status: criteria provided, multiple submitters, no conflicts (2 of 4 stars). 3 submissions from 3 submitters: Likely benign (3). Last evaluated 2024-10-26.

Allele frequency attached by ClinVar (database versions not stated): gnomAD exomes below 0.00001; ExAC 0.00002; TOPMed 0.00002; gnomAD 0.00003; 1000 Genomes Project 30x 0.00016; 1000 Genomes Project 0.00020.
gnomAD v4.1: 13 of 1,613,988 alleles (0.00081%); highest among the groups gnomAD compares: African/African-American, 0.013%; no homozygotes.

Submissions (3):

Labcorp Genetics (formerly Invitae), Labcorp
Classification: Likely benign. Last evaluated: 2024-10-26. Review status: criteria provided, single submitter. Criteria: Invitae Variant Classification Sherloc (09022015). Collection method: clinical testing. Allele origin: germline.

Blueprint Genetics
Classification: Likely benign. Last evaluated: 2024-10-08. Review status: criteria provided, single submitter. Criteria: ACMG Guidelines, 2015. Collection method: clinical testing. Allele origin: germline.

CeGaT Center for Human Genetics Tuebingen
Classification: Likely benign. Last evaluated: 2022-09-01. Review status: criteria provided, single submitter. Criteria: CeGaT Center For Human Genetics Tuebingen Variant Classification Criteria Version 2. Collection method: clinical testing. Allele origin: germline. Affected: yes. Observed: 1 variant allele.
Comment: SKIC3: BP4, BP7